The following is an entry in ClinVar:

ClinVar aggregate classification (germline): Uncertain significance (1 of 4 stars; one submission).

Submission:

Labcorp Genetics (formerly Invitae), Labcorp
Classification: Uncertain significance. Last evaluated: 2025-06-23. Review status: criteria provided, single submitter. Criteria: Invitae Variant Classification Sherloc (09022015). Collection method: clinical testing. Allele origin: germline.
Comment: This sequence change replaces asparagine, which is neutral and polar, with isoleucine, which is neutral and non-polar, at codon 1581 of the TET2 protein (p.Asn1581Ile). This variant is not present in population databases (gnomAD no frequency). This variant has not been reported in the literature in individuals affected with TET2-related conditions. ClinVar contains an entry for this variant (Variation ID: 3608677). An algorithm developed to predict the effect of missense changes on protein structure and function (PolyPhen-2) suggests that this variant is likely to be tolerated. In summary, the available evidence is currently insufficient to determine the role of this variant in disease. Therefore, it has been classified as a Variant of Uncertain Significance.

NM_001127208.3(TET2):c.4742A>T (p.Asn1581Ile)

Genes: TET2 (tet methylcytosine dioxygenase 2; plus strand), TET2-AS1 (TET2 antisense RNA 1; minus strand). Cytogenetic location: 4q24.
Variant type: single nucleotide variant.
Coding change: c.4742A>T on transcript NM_001127208.3 (MANE Select); coding-DNA position 4742, A replaced by T.
Protein change: p.Asn1581Ile; replaces asparagine 1581 with isoleucine.
Molecular consequence: missense variant.
Genome position (GRCh38, 1-based): chr4:105,275,252, A>T. VCF-style: chr4-105275252-A-T. GRCh37 (hg19) VCF-style: chr4-106196409-A-T.
Other names: short protein forms N1581I.
Identifiers: ClinVar variation 3608677 (VCV003608677.2).